The following is an entry in ClinVar:

NM_001135022.2(ELMOD3):c.827G>A (p.Arg276Gln)

Gene: ELMOD3 (ELMO domain containing 3; plus strand). Cytogenetic location: 2p11.2.
Variant type: single nucleotide variant.
Coding change: c.827G>A on transcript NM_001135022.2 (MANE Select); coding-DNA position 827, G replaced by A.
Protein change: p.Arg276Gln; replaces arginine 276 with glutamine.
Molecular consequence: missense variant. On other transcripts: non-coding transcript variant (3).
Genome position (GRCh38, 1-based): chr2:85,390,149, G>A. VCF-style: chr2-85390149-G-A. GRCh37 (hg19) VCF-style: chr2-85617272-G-A.
Other names: c.827G>A (NM_001135021.1); c.827G>A, p.Arg276Gln (NM_001135021.2, NM_001135023.2, NM_001329791.2 and 2 more transcripts); short protein forms R276Q.
Identifiers: ClinVar variation 1573176 (VCV001573176.9), dbSNP rs201598188, ClinGen allele CA1740524.

ClinVar aggregate classification (germline): Likely benign. Review status: criteria provided, single submitter (1 of 4 stars). 2 submissions from 2 submitters: Likely benign (1). 1 of the submissions does not count toward it. Last evaluated 2026-01-06.

Conditions:
ELMOD3-related disorder. Also called: ELMOD3-related condition.

Allele frequency attached by ClinVar (database versions not stated): gnomAD 0.00016 and 0.00026; ExAC 0.00026; gnomAD exomes 0.00031 and 0.00011; 1000 Genomes Project 30x 0.00203; 1000 Genomes Project 0.00240; ESP Exome Variant Server 0.00008; TOPMed 0.00013.
gnomAD v4.1: 225 of 1,614,040 alleles (0.014%); highest among the groups gnomAD compares: East Asian, 0.19%; 1 homozygote.

Submissions (2):

Labcorp Genetics (formerly Invitae), Labcorp
Classification: Likely benign. Last evaluated: 2026-01-06. Review status: criteria provided, single submitter. Criteria: Invitae Variant Classification Sherloc (09022015). Collection method: clinical testing. Allele origin: germline.

PreventionGenetics, part of Exact Sciences
Classification: Likely benign for ELMOD3-related condition. Last evaluated: 2024-05-24. Review status: no assertion criteria provided. Collection method: clinical testing. Allele origin: germline. Not counted in ClinVar's aggregate classification.
Comment: This variant is classified as likely benign based on ACMG/AMP sequence variant interpretation guidelines (Richards et al. 2015 PMID: 25741868, with internal and published modifications).